The following is an entry in ClinVar:

ClinVar aggregate classification (germline): Pathogenic/Likely pathogenic. Review status: criteria provided, multiple submitters, no conflicts (2 of 4 stars). 2 submissions from 2 submitters: Pathogenic (1); Likely pathogenic (1). Last evaluated 2024-03-20.

Conditions:
Microcephalic osteodysplastic primordial dwarfism type II (MOPD2). Also called: Microcephalic osteodysplastic primordial dwarfism with tooth abnormalities; OSTEODYSPLASTIC PRIMORDIAL DWARFISM, TYPE II; MOPD II. Identifiers: Orphanet 2637, MedGen C0432246, MONDO:0008872, OMIM 210720.

Submissions (2):

Fulgent Genetics
Classification: Likely pathogenic for Microcephalic osteodysplastic primordial dwarfism type II. Last evaluated: 2024-03-20. Review status: criteria provided, single submitter. Criteria: ACMG Guidelines, 2015. Collection method: clinical testing. Allele origin: germline.

Labcorp Genetics (formerly Invitae), Labcorp
Classification: Pathogenic. Last evaluated: 2023-12-11. Review status: criteria provided, single submitter. Criteria: Invitae Variant Classification Sherloc (09022015). Collection method: clinical testing. Allele origin: germline.
Comment: This sequence change creates a premature translational stop signal (p.Glu998Leufs*16) in the PCNT gene. It is expected to result in an absent or disrupted protein product. Loss-of-function variants in PCNT are known to be pathogenic (PMID: 18174396, 22821869). This variant is not present in population databases (gnomAD no frequency). This variant has not been reported in the literature in individuals affected with PCNT-related conditions. For these reasons, this variant has been classified as Pathogenic.

Literature cited by the submitters: PubMed 18174396 (cited by Labcorp Genetics (formerly Invitae), Labcorp); PubMed 22821869 (cited by Labcorp Genetics (formerly Invitae), Labcorp).

NM_006031.6(PCNT):c.2990_2991dup (p.Glu998fs)

Gene: PCNT (pericentrin; plus strand). Cytogenetic location: 21q22.3.
Variant type: Duplication.
Coding change: c.2990_2991dup on transcript NM_006031.6 (MANE Select); coding-DNA positions 2990 to 2991, 2 bases duplicated (TT; older notation c.2990_2991dupTT).
Protein change: p.Glu998fs; shifts the reading frame from glutamic acid 998.
Molecular consequence: frameshift variant.
Genome position (GRCh38, 1-based): chr21:46,366,964-46,366,965, TT duplicated; duplicating any 2 consecutive bases within chr21:46,366,963-46,366,965 gives the same sequence; the c. name uses the placement nearest the transcript's 3' end. VCF-style (leftmost placement, unchanged base first): chr21-46366962-C-CTT. GRCh37 (hg19) VCF-style: chr21-47786877-C-CTT.
Other names: c.2636_2637dup, p.Glu880fs (NM_001315529.2); short protein forms E998fs, E880fs.
Identifiers: ClinVar variation 2787786 (VCV002787786.4), dbSNP rs1226165772, ClinGen allele CA1022892882.
Genomic context (GRCh38, chr21:46,366,962, plus strand): 5'-CTCTGAATTTCAGACCATCCGTGAGGAGCACAGGCAGGCCCTAGAGCTCTTACGAGCAGA[C>CTT]TTTGAGGAACAACTGTGGAAAAAGGACTCTCTTCACCAAACGATTTTGACTCAAGAGTTG-3'